The following is an entry in ClinVar:

NM_000489.6(ATRX):c.884AGA[2] (p.Lys297del)

Gene: ATRX (ATRX chromatin remodeler; minus strand). Cytogenetic location: Xq21.1.
Variant type: Microsatellite.
Coding change: c.884AGA[2] on transcript NM_000489.6 (MANE Select); two copies in a row of the 3-base unit AGA starting at c.884; the reference has three copies in a row; one copy, 3 bases deleted.
Protein change: p.Lys297del; deletes lysine 297.
Molecular consequence: inframe deletion.
Genome position (GRCh38, 1-based): chrX:77,684,364-77,684,366, TCT deleted on the plus strand (AGA on the coding strand, the reverse complement: ATRX is on the minus strand); deleting any 3 consecutive bases within chrX:77,684,364-77,684,373 gives the same sequence; the position shown is the placement nearest the transcript's 3' end. VCF-style (leftmost placement, unchanged base first): chrX-77684363-ATCT-A. GRCh37 (hg19) VCF-style: chrX-76939855-ATCT-A.
Other names: c.770AGA[2], p.Lys259del (NM_138270.5); short protein forms K297del, K259del.
Identifiers: ClinVar variation 422656 (VCV000422656.4), dbSNP rs1064795918, ClinGen allele CA16621507.

ClinVar aggregate classification (germline): Uncertain significance. Review status: criteria provided, multiple submitters, no conflicts (2 of 4 stars). 2 submissions from 2 submitters: Uncertain significance (2). Last evaluated 2025-01-19.

Conditions:
Alpha thalassemia-X-linked intellectual disability syndrome (ATRX). Also called: ALPHA-THALASSEMIA/MENTAL RETARDATION SYNDROME, X-LINKED; X-linked alpha-thalassemia-mental retardation syndrome; ATR-X syndrome; Alpha thalassemia mental retardation syndrome, nondeletion type, X-linked; XLMR hypotonic face syndrome; ATR, NONDELETION TYPE. Identifiers: Orphanet 847, MedGen C1845055, MONDO:0010519, OMIM 301040.

Submissions (2):

Labcorp Genetics (formerly Invitae), Labcorp
Classification: Uncertain significance for Alpha thalassemia-X-linked intellectual disability syndrome. Last evaluated: 2025-01-19. Review status: criteria provided, single submitter. Criteria: Invitae Variant Classification Sherloc (09022015). Collection method: clinical testing. Allele origin: germline.
Comment: This variant, c.890_892del, results in the deletion of 1 amino acid(s) of the ATRX protein (p.Lys297del), but otherwise preserves the integrity of the reading frame. This variant is not present in population databases (gnomAD no frequency). This variant has not been reported in the literature in individuals affected with ATRX-related conditions. Experimental studies and prediction algorithms are not available or were not evaluated, and the functional significance of this variant is currently unknown. In summary, the available evidence is currently insufficient to determine the role of this variant in disease. Therefore, it has been classified as a Variant of Uncertain Significance.

GeneDx
Classification: Uncertain significance. Last evaluated: 2016-11-01. Review status: criteria provided, single submitter. Criteria: GeneDx Variant Classification (06012015). Collection method: clinical testing. Allele origin: germline. Affected: yes.
Comment: The c.890_892delAGA variant in the ATRX gene has not been reported previously as a pathogenic variant, nor as a benign variant, to our knowledge. The c.890_892delAGA variant causes an in-frame deletion of one amino acid, Lysine 297, denoted p.Lys297del. This amino acid deletion occurs at a position that is conserved in mammals. The c.890_892delAGA variant was not observed in approximately 6,500 individuals of European and African American ancestry in the NHLBI Exome Sequencing Project, indicating it is not a common benign variant in these populations. We interpret c.890_892delAGA as a variant of uncertain significance.